The following is an entry in ClinVar:

NM_000238.4(KCNH2):c.3140G>T (p.Arg1047Leu)

Gene: KCNH2 (potassium voltage-gated channel subfamily H member 2; minus strand). Cytogenetic location: 7q36.1.
Variant type: single nucleotide variant.
Coding change: c.3140G>T on transcript NM_000238.4 (MANE Select); coding-DNA position 3140, G replaced by T.
Protein change: p.Arg1047Leu; replaces arginine 1047 with leucine.
Molecular consequence: missense variant.
Genome position (GRCh38, 1-based): chr7:150,947,340, C>A on the plus strand (G>T on the coding strand, the complement: KCNH2 is on the minus strand). VCF-style: chr7-150947340-C-A. GRCh37 (hg19) VCF-style: chr7-150644428-C-A.
Other names: c.2120G>T, p.Arg707Leu (NM_172057.3); c.3140G>T (LRG_288t1, NM_000238.2); short protein forms R1047L, R707L.
Identifiers: ClinVar variation 36429 (VCV000036429.45), dbSNP rs36210421, ClinGen allele CA008041.

ClinVar aggregate classification (germline): Conflicting classifications of pathogenicity. Review status: criteria provided, conflicting classifications (1 of 4 stars). 18 submissions from 18 submitters: Uncertain significance (1); Benign (13); Likely benign (2). 2 of the submissions do not count toward it. Last evaluated 2026-02-04.

Conditions:
KCNH2-related disorder. Also called: KCNH2-related disorders; KCNH2-related condition.
Cardiac arrhythmia. Also called: Cardiac rhythm disease; Arrhythmia. Identifiers: MedGen C0003811, MONDO:0007263, HP:0011675.
Cardiovascular phenotype. Identifiers: MedGen CN230736.
Sudden unexplained death. Identifiers: MedGen C0520806.
Torsades de pointes. Also called: Torsade de pointes. Identifiers: MedGen C0040479, MONDO:0005478, HP:0001664.
Long QT syndrome (LQTS). Identifiers: MedGen C0023976, MeSH D008133, MONDO:0002442. Disease mechanism: loss of function. Inheritance: Various modes of inheritance.
Long QT syndrome 2 (LQT2). Identifiers: Orphanet 101016, Orphanet 768, MedGen C3150943, MONDO:0013367, OMIM 613688.

Allele frequency attached by ClinVar (database versions not stated): 1000 Genomes Project 30x 0.00796; ExAC 0.00879; 1000 Genomes Project 0.00899; ESP Exome Variant Server 0.01334; TOPMed 0.01356.
gnomAD v4.1: 32,481 of 1,542,350 alleles (2.1%); highest among the groups gnomAD compares: Non-Finnish European, 2.4%; 511 homozygotes.

Submissions (18):

Labcorp Genetics (formerly Invitae), Labcorp
Classification: Benign for Long QT syndrome. Last evaluated: 2026-02-04. Review status: criteria provided, single submitter. Criteria: Invitae Variant Classification Sherloc (09022015). Collection method: clinical testing. Allele origin: germline.

ARUP Laboratories, Molecular Genetics and Genomics, ARUP Laboratories
Classification: Benign. Last evaluated: 2025-07-03. Review status: criteria provided, single submitter. Criteria: ARUP Molecular Germline Variant Investigation Process 2024. Collection method: clinical testing. Allele origin: germline.

Blueprint Genetics
Classification: Likely benign. Last evaluated: 2024-11-26. Review status: criteria provided, single submitter. Criteria: ACMG Guidelines, 2015. Collection method: clinical testing. Allele origin: germline.

All of Us Research Program, National Institutes of Health
Classification: Benign for Long QT syndrome. Last evaluated: 2024-10-01. Review status: criteria provided, single submitter. Criteria: ACMG Guidelines, 2015. Collection method: clinical testing. Allele origin: germline. Inheritance: Autosomal dominant inheritance. Observed: 5,197 variant alleles, 5,144 heterozygotes, 51 homozygotes, 2 hemizygotes.
Comment: This study involves interpretation of variants in research participants for the purpose of population health screening. Participant phenotype was not available at the time of variant classification. Additional details can be found in publication PMID: 35346344, PMCID: PMC8962531

Mayo Clinic Laboratories, Mayo Clinic
Classification: Benign. Last evaluated: 2022-10-25. Review status: criteria provided, single submitter. Criteria: ACMG Guidelines, 2015. Collection method: clinical testing. Allele origin: germline. Observed: 54 variant alleles.

Cohesion Phenomics
Classification: Benign for Long QT syndrome. Last evaluated: 2022-09-23. Review status: criteria provided, single submitter. Criteria: ACMG Guidelines, 2015. Collection method: clinical testing. Allele origin: germline. Affected: yes.

GeneDx
Classification: Benign. Last evaluated: 2020-03-10. Review status: criteria provided, single submitter. Criteria: GeneDx Variant Classification Process June 2021. Collection method: clinical testing. Allele origin: germline. Affected: yes.
Comment: This variant is associated with the following publications: (PMID: 14975928, 17275752, 22949429, 20167303, 24596401, 23303164, 27153395, 15522280, 28472724, 26412604, 31043699)

Women's Health and Genetics/Laboratory Corporation of America, LabCorp
Classification: Benign. Last evaluated: 2019-11-04. Review status: criteria provided, single submitter. Criteria: LabCorp Variant Classification Summary - May 2015. Collection method: clinical testing. Allele origin: germline.
Comment: Variant summary: KCNH2 c.3140G>T (p.Arg1047Leu) results in a non-conservative amino acid change in the encoded protein sequence. Four of five in-silico tools predict a benign effect of the variant on protein function. The variant allele was found at a frequency of 0.027 in 171128 control chromosomes in the gnomAD database, including 44 homozygotes. The observed variant frequency is approximately 270- fold the estimated maximal expected allele frequency for a pathogenic variant in KCNH2 causing Arrhythmia phenotype (0.0001), strongly suggesting that the variant is benign. c.3140G>T has been reported in the literature in individuals affected with various cardiovascular phenotypes without strong evidence for causality (e.g. LQTS: Mazzadi_2003; SQTS: Hu_2017; Brugada Syndrome: Kauferstein_2017; drug-induced Torsades de Pointes : Sun_2014, VanDriest_2016; sudden infant death syndrome: Anson_2004, Arnestad_2007, Glengarry_2014, Smith_2018), in many cases being found in both patients and controls. These reports do not provide unequivocal conclusions about association of the variant with Arrhythmia. Multiple publications report experimental evidence evaluating the impact of the variant on hERG channel activity. Several reports indicate that the biochemical activity of hERG channels in cells expressing the variant are similar to wild-type (Anson_2004, Mannikko_2010), while others others indicate that the levels of channel activation or repolarization may be altered to varying degrees in cells expressing the variant (Sun_2004, Chevalier_2007, Jou_2013). Seven ClinVar submitters (evaluation after 2014) have cited the variant four times as benign, two times as likely benign, and one time as uncertain significance. Based on the evidence outlined above, the variant was classified as benign.

Color Diagnostics, LLC DBA Color Health
Classification: Benign for Arrhythmia. Last evaluated: 2018-03-15. Review status: criteria provided, single submitter. Criteria: ACMG Guidelines, 2015. Collection method: clinical testing. Allele origin: germline.

Illumina Laboratory Services, Illumina
Classification: Benign for Long QT syndrome 2. Last evaluated: 2018-03-06. Review status: criteria provided, single submitter. Criteria: ICSL Variant Classification Criteria 13 December 2019. Collection method: clinical testing. Allele origin: germline.
Comment: This variant was observed in the ICSL laboratory as part of a predisposition screen in an ostensibly healthy population. It had not been previously curated by ICSL or reported in the Human Gene Mutation Database (HGMD: prior to June 1st, 2018), and was therefore a candidate for classification through an automated scoring system. Utilizing variant allele frequency, disease prevalence and penetrance estimates, and inheritance mode, an automated score was calculated to assess if this variant is too frequent to cause the disease. Based on the score and internal cut-off values, a variant classified as benign is not then subjected to further curation. The score for this variant resulted in a classification of benign for this disease.

Athena Diagnostics
Classification: Benign. Last evaluated: 2017-06-14. Review status: criteria provided, single submitter. Criteria: Athena Diagnostics Criteria. Collection method: clinical testing. Allele origin: germline.

Genomic Diagnostic Laboratory, Division of Genomic Diagnostics, Children's Hospital of Philadelphia
Classification: Uncertain significance for Long QT syndrome 2. Last evaluated: 2015-07-10. Review status: criteria provided, single submitter. Criteria: DGD Variant Analysis Guidelines. Collection method: clinical testing. Allele origin: unknown.

Ambry Genetics
Classification: Benign for Cardiovascular phenotype. Last evaluated: 2015-06-11. Review status: criteria provided, single submitter. Criteria: Ambry Variant Classification Scheme 2023. Collection method: clinical testing. Allele origin: germline.

Agnes Ginges Centre for Molecular Cardiology, Centenary Institute
Classification: Likely benign for Sudden unexplained death. Last evaluated: 2015-03-27. Review status: criteria provided, single submitter. Criteria: Agnes Ginges Centre for Molecular Cardiology criteria (2015). Collection method: research. Allele origin: germline. Inheritance: Autosomal dominant inheritance. Affected: yes.
Comment: The KCNH2 Arg1047Leu variant has previously been reported as a polymorphism and suggested to be associated with increased risk to Torsades de Pointes (Mank-Seymour AR et al., 2006; Sun Z et al., 2004; Kapa S et al., 2009). It is present in the Exome Aggregation Consortium dataset with an allele frequency of 0.008 (105/11944 alleles); and the frequency in the European (non-Finnish) sub-population is 0.02 (73/3656 alleles). Based on the frequency of the KCNH2 Arg1047Leu variant in 2% of the European (non-Finnish) population, we do not expect this variant to cause disease in isolation. We therefore classify this variant as "likely benign".

Biesecker Lab/Clinical Genomics Section, National Institutes of Health
Classification: Benign for Torsades de Pointes. Last evaluated: 2013-06-24. Review status: criteria provided, single submitter. Criteria: Ng et al. (Circ Cardiovasc Genet. 2013). Collection method: research. Allele origin: unknown. Observed: 4 variant alleles. Study: ClinSeq.
Comment: The study set was not selected for affection status in relation to any cancer. Pathogenicity categories were based on literature curation. See Pubmed ID:23861362 for details.

Medical sequencing

Molecular Diagnostic Laboratory for Inherited Cardiovascular Disease, Montreal Heart Institute
Classification: Benign. Review status: criteria provided, single submitter. Criteria: ACMG Guidelines, 2015. Collection method: clinical testing. Allele origin: germline. Affected: yes.

PreventionGenetics, part of Exact Sciences
Classification: Benign for KCNH2-related condition. Last evaluated: 2019-05-15. Review status: no assertion criteria provided. Collection method: clinical testing. Allele origin: germline. Not counted in ClinVar's aggregate classification.
Comment: This variant is classified as benign based on ACMG/AMP sequence variant interpretation guidelines (Richards et al. 2015 PMID: 25741868, with internal and published modifications).

Cardiovascular Biomedical Research Unit, Royal Brompton & Harefield NHS Foundation Trust
No classification provided. Review status: no classification provided. Collection method: literature only. Allele origin: germline. Not counted in ClinVar's aggregate classification.
Comment: This variant has been reported in the following publications (PMID:11468227;PMID:14661677;PMID:15522280;PMID:16487223;PMID:17161064;PMID:17210839;PMID:17275752;PMID:19841300).

Literature cited by the submitters: PubMed 17161064 (cited by 3 submitters); PubMed 11468227 (cited by Women's Health and Genetics/Laboratory Corporation of America, LabCorp and Cardiovascular Biomedical Research Unit, Royal Brompton & Harefield NHS Foundation Trust); PubMed 16487223 (cited by Women's Health and Genetics/Laboratory Corporation of America, LabCorp and Cardiovascular Biomedical Research Unit, Royal Brompton & Harefield NHS Foundation Trust); PubMed 14661677 (cited by Women's Health and Genetics/Laboratory Corporation of America, LabCorp and Cardiovascular Biomedical Research Unit, Royal Brompton & Harefield NHS Foundation Trust); PubMed 17210839 (cited by Women's Health and Genetics/Laboratory Corporation of America, LabCorp and Cardiovascular Biomedical Research Unit, Royal Brompton & Harefield NHS Foundation Trust); PubMed 17275752 (cited by 3 submitters); PubMed 15522280 (cited by 4 submitters); PubMed 14975928 (cited by Women's Health and Genetics/Laboratory Corporation of America, LabCorp and Athena Diagnostics); PubMed 19019189 (cited by Women's Health and Genetics/Laboratory Corporation of America, LabCorp); PubMed 19673885 (cited by Women's Health and Genetics/Laboratory Corporation of America, LabCorp); PubMed 23303164 (cited by Women's Health and Genetics/Laboratory Corporation of America, LabCorp and Athena Diagnostics); PubMed 24596401 (cited by Women's Health and Genetics/Laboratory Corporation of America, LabCorp and Athena Diagnostics); PubMed 12775564 (cited by Women's Health and Genetics/Laboratory Corporation of America, LabCorp); PubMed 26746457 (cited by Women's Health and Genetics/Laboratory Corporation of America, LabCorp); PubMed 29759541 (cited by Women's Health and Genetics/Laboratory Corporation of America, LabCorp); PubMed 28472724 (cited by Women's Health and Genetics/Laboratory Corporation of America, LabCorp); PubMed 29752375 (cited by Women's Health and Genetics/Laboratory Corporation of America, LabCorp); PubMed 20167303 (cited by Athena Diagnostics); PubMed 27153395 (cited by Athena Diagnostics); PubMed 19841300 (cited by Agnes Ginges Centre for Molecular Cardiology, Centenary Institute and Cardiovascular Biomedical Research Unit, Royal Brompton & Harefield NHS Foundation Trust); PubMed 22581653 (cited by Cardiovascular Biomedical Research Unit, Royal Brompton & Harefield NHS Foundation Trust).